The following is an entry in ClinVar:

ClinVar aggregate classification (germline): Likely pathogenic (1 of 4 stars; one submission).

Submission:

GeneDx
Classification: Likely pathogenic. Last evaluated: 2016-09-13. Review status: criteria provided, single submitter. Criteria: GeneDx Variant Classification (06012015). Collection method: clinical testing. Allele origin: germline. Affected: yes.
Comment: This combined deletion and insertion is denoted BMPR1A c.1243_1244delGAinsTTTC at the cDNA level and p.Glu415PhefsX4 (E415FfsX4) at the protein level. The normal sequence, with the bases that are deleted in braces and inserted in brackets, is GGAC[GA][TTTC]AAGC. The variant causes a frameshift, which changes a Glutamic Acid to a Phenylalanine at codon 415, and creates a premature stop codon at position 4 of the new reading frame. Although this variant has not, to our knowledge, been reported in the literature, it is predicted to cause loss of normal protein function through either protein truncation or nonsense-mediated mRNA decay, and is considered likely pathogenic.

NM_004329.3(BMPR1A):c.1243_1244delinsTTTC (p.Glu415fs)

Gene: BMPR1A (bone morphogenetic protein receptor type 1A; plus strand). Cytogenetic location: 10q23.2.
Variant type: Indel.
Coding change: c.1243_1244delinsTTTC on transcript NM_004329.3 (MANE Select); coding-DNA positions 1243 to 1244, GA replaced by TTTC.
Protein change: p.Glu415fs; shifts the reading frame from glutamic acid 415.
Molecular consequence: frameshift variant.
Genome position (GRCh38, 1-based): chr10:86,921,596-86,921,597, GA replaced by TTTC. VCF-style: chr10-86921596-GA-TTTC. GRCh37 (hg19) VCF-style: chr10-88681353-GA-TTTC.
Other names: c.1243_1244delGAinsTTTC (NM_004329.2); short protein forms E415fs.
Identifiers: ClinVar variation 422244 (VCV000422244.2), dbSNP rs1064795654, ClinGen allele CA16619011.